The following is an entry in ClinVar:

NM_001177316.2(SLC34A3):c.1482_1496del (p.Gly495_Leu499del)

Gene: SLC34A3 (solute carrier family 34 member 3; plus strand). Cytogenetic location: 9q34.3.
Variant type: Deletion.
Coding change: c.1482_1496del on transcript NM_001177316.2 (MANE Select); coding-DNA positions 1482 to 1496, 15 bases deleted (CGGATTCCTGCTGCT).
Protein change: p.Gly495_Leu499del.
Molecular consequence: inframe deletion.
Genome position (GRCh38, 1-based): chr9:137,236,098-137,236,112, CGGATTCCTGCTGCT deleted; deleting any 15 consecutive bases within chr9:137,236,089-137,236,112 gives the same sequence; the c. name uses the placement nearest the transcript's 3' end. VCF-style (leftmost placement, unchanged base first): chr9-137236088-ACCTGCTGCTCGGATT-A. GRCh37 (hg19) VCF-style: chr9-140130540-ACCTGCTGCTCGGATT-A.
Other names: c.1482_1496del, p.Gly495_Leu499del (NM_001177317.2, NM_080877.3).
Identifiers: ClinVar variation 1906304 (VCV001906304.5), dbSNP rs2538820847, ClinGen allele CA2580081038.

ClinVar aggregate classification (germline): Uncertain significance (1 of 4 stars; one submission).

Submission:

Labcorp Genetics (formerly Invitae), Labcorp
Classification: Uncertain significance. Last evaluated: 2024-10-06. Review status: criteria provided, single submitter. Criteria: Invitae Variant Classification Sherloc (09022015). Collection method: clinical testing. Allele origin: germline.
Comment: This variant, c.1482_1496del, results in the deletion of 5 amino acid(s) of the SLC34A3 protein (p.Gly495_Leu499del), but otherwise preserves the integrity of the reading frame. This variant is not present in population databases (gnomAD no frequency). This variant has not been reported in the literature in individuals affected with SLC34A3-related conditions. ClinVar contains an entry for this variant (Variation ID: 1906304). Experimental studies and prediction algorithms are not available or were not evaluated, and the functional significance of this variant is currently unknown. In summary, the available evidence is currently insufficient to determine the role of this variant in disease. Therefore, it has been classified as a Variant of Uncertain Significance.